The following is an entry in ClinVar:

ClinVar aggregate classification (germline): Benign (3 of 4 stars; one submission).

Conditions:
Breast-ovarian cancer, familial, susceptibility to, 1 (BROVCA1). Also called: BRCA1 Hereditary Breast and Ovarian Cancer; OVARIAN CANCER, SUSCEPTIBILITY TO. Identifiers: Orphanet 145, MedGen C2676676, MONDO:0011450, OMIM 604370. Disease mechanism: loss of function.

Allele frequency attached by ClinVar (database versions not stated): 1000 Genomes Project 30x 0.02217; TOPMed 0.04132; gnomAD 0.04554 and 0.04682; 1000 Genomes Project 0.02177.
gnomAD v4.1: 6,925 of 152,292 alleles (4.5%); highest among the groups gnomAD compares: Non-Finnish European, 6.5%; 214 homozygotes.

Submission:

Evidence-based Network for the Interpretation of Germline Mutant Alleles (ENIGMA)
Classification: Benign for Breast-ovarian cancer, familial 1. Last evaluated: 2015-01-12. Review status: reviewed by expert panel. Criteria: ENIGMA BRCA1/2 Classification Criteria (2015). Collection method: curation. Allele origin: germline.
Comment: Class 1 not pathogenic based on frequency >1% in an outbred sampleset. Frequency 0.05409 (European), derived from 1000 genomes (2012-04-30).

NM_007294.4(BRCA1):c.4185+2046T>C

Gene: BRCA1 (BRCA1 DNA repair associated; minus strand). Cytogenetic location: 17q21.31.
Variant type: single nucleotide variant.
Coding change: c.4185+2046T>C on transcript NM_007294.4 (MANE Select); 2046 bases into the intron after coding-DNA position 4185, T replaced by C.
Molecular consequence: intron variant.
Genome position (GRCh38, 1-based): chr17:43,088,898, A>G on the plus strand (T>C on the coding strand, the complement: BRCA1 is on the minus strand). VCF-style: chr17-43088898-A-G. GRCh37 (hg19) VCF-style: chr17-41240915-A-G.
Other names: IVS 12+2046T>C; c.4182+2046T>C (NM_001407627.1, NM_001407861.1, NM_001407635.1 and 22 more transcripts); c.636+2046T>C (NM_001408494.1); c.753+2046T>C (NM_001408444.1, NM_001408438.1, NM_001408430.1 and 12 more transcripts); c.4062+2046T>C (NM_001407682.1, NM_001407676.1, NM_001407863.1 and 19 more transcripts); c.759+2046T>C (NM_001408423.1, NM_001408420.1, NM_001408419.1 and 2 more transcripts); c.876+2046T>C (NM_001408404.1, NM_001408472.1, NM_001407990.1 and 17 more transcripts); c.1581+2046T>C (NM_001407969.1, NM_001407968.1); and 42 more.
Identifiers: ClinVar variation 209430 (VCV000209430.2), dbSNP rs8176163, ClinGen allele CA276402.